The following is an entry in ClinVar:

NM_000540.3(RYR1):c.7343G>A (p.Gly2448Asp)

Gene: RYR1 (ryanodine receptor 1; plus strand). Cytogenetic location: 19q13.2.
Variant type: single nucleotide variant.
Coding change: c.7343G>A on transcript NM_000540.3 (MANE Select); coding-DNA position 7343, G replaced by A.
Protein change: p.Gly2448Asp; replaces glycine 2448 with aspartic acid.
Molecular consequence: missense variant.
Genome position (GRCh38, 1-based): chr19:38,500,625, G>A. VCF-style: chr19-38500625-G-A. GRCh37 (hg19) VCF-style: chr19-38991265-G-A.
Other names: c.7343G>A, p.Gly2448Asp (NM_001042723.2); short protein forms G2448D.
Identifiers: ClinVar variation 642226 (VCV000642226.8), dbSNP rs1600824259, ClinGen allele CA405669908.

ClinVar aggregate classification (germline): Pathogenic (1 of 4 stars; one submission).

Conditions:
RYR1-related disorder. Also called: RYR1-related disorders; RYR1-related condition. Identifiers: MedGen CN239331.

Submission:

Labcorp Genetics (formerly Invitae), Labcorp
Classification: Pathogenic for RYR1-related disorder. Last evaluated: 2022-03-09. Review status: criteria provided, single submitter. Criteria: Invitae Variant Classification Sherloc (09022015). Collection method: clinical testing. Allele origin: germline.
Comment: This sequence change replaces glycine, which is neutral and non-polar, with aspartic acid, which is acidic and polar, at codon 2448 of the RYR1 protein (p.Gly2448Asp). This variant is not present in population databases (gnomAD no frequency). This missense change has been observed in individual(s) with autosomal recessive congenital myopathy (Invitae). In at least one individual the data is consistent with being in trans (on the opposite chromosome) from a pathogenic variant. ClinVar contains an entry for this variant (Variation ID: 642226). Advanced modeling of protein sequence and biophysical properties (such as structural, functional, and spatial information, amino acid conservation, physicochemical variation, residue mobility, and thermodynamic stability) performed at Invitae indicates that this missense variant is expected to disrupt RYR1 protein function. For these reasons, this variant has been classified as Pathogenic.